The following is an entry in ClinVar:

ClinVar aggregate classification (germline): Uncertain significance (1 of 4 stars; one submission).

Conditions:
Emery-Dreifuss muscular dystrophy 5, autosomal dominant (EDMD5). Also called: EMERY-DREIFUSS MUSCULAR DYSTROPHY 5. Identifiers: Orphanet 261, MedGen C2751805, MONDO:0013072, OMIM 612999.

gnomAD v4.1: 14 of 1,613,776 alleles (0.00087%); highest among the groups gnomAD compares: Admixed American, 0.0033%; no homozygotes.

Submission:

Labcorp Genetics (formerly Invitae), Labcorp
Classification: Uncertain significance for Emery-Dreifuss muscular dystrophy 5, autosomal dominant. Last evaluated: 2024-06-23. Review status: criteria provided, single submitter. Criteria: Invitae Variant Classification Sherloc (09022015). Collection method: clinical testing. Allele origin: germline.
Comment: This sequence change replaces arginine, which is basic and polar, with histidine, which is basic and polar, at codon 3938 of the SYNE2 protein (p.Arg3938His). This variant is present in population databases (rs753878618, gnomAD 0.004%). This variant has not been reported in the literature in individuals affected with SYNE2-related conditions. Algorithms developed to predict the effect of missense changes on protein structure and function output the following: SIFT: "Not Available"; PolyPhen-2: "Benign"; Align-GVGD: "Not Available". The histidine amino acid residue is found in multiple mammalian species, which suggests that this missense change does not adversely affect protein function. In summary, the available evidence is currently insufficient to determine the role of this variant in disease. Therefore, it has been classified as a Variant of Uncertain Significance.

NM_182914.3(SYNE2):c.11813G>A (p.Arg3938His)

Gene: SYNE2 (spectrin repeat containing nuclear envelope protein 2; plus strand). Cytogenetic location: 14q23.2.
Variant type: single nucleotide variant.
Coding change: c.11813G>A on transcript NM_182914.3 (MANE Select); coding-DNA position 11813, G replaced by A.
Protein change: p.Arg3938His; replaces arginine 3938 with histidine.
Molecular consequence: missense variant.
Genome position (GRCh38, 1-based): chr14:64,090,885, G>A. VCF-style: chr14-64090885-G-A. GRCh37 (hg19) VCF-style: chr14-64557603-G-A.
Other names: c.11813G>A, p.Arg3938His (NM_015180.6); short protein forms R3938H.
Identifiers: ClinVar variation 3710926 (VCV003710926.2).